The following is an entry in ClinVar:

ClinVar aggregate classification (germline): Conflicting classifications of pathogenicity. Review status: criteria provided, conflicting classifications (1 of 4 stars). 2 submissions from 2 submitters: Likely pathogenic (1); Uncertain significance (1). Last evaluated 2024-01-18.

Allele frequency attached by ClinVar (database versions not stated): gnomAD exomes below 0.00001.
gnomAD v4.1: 1 of 1,614,102 alleles (0.000062%); highest among the groups gnomAD compares: South Asian, 0.0011%; no homozygotes.

Submissions (2):

Labcorp Genetics (formerly Invitae), Labcorp
Classification: Likely pathogenic. Last evaluated: 2024-01-18. Review status: criteria provided, single submitter. Criteria: Invitae Variant Classification Sherloc (09022015). Collection method: clinical testing. Allele origin: germline.
Comment: This sequence change replaces glycine, which is neutral and non-polar, with glutamic acid, which is acidic and polar, at codon 1559 of the ABCA4 protein (p.Gly1559Glu). This variant is not present in population databases (gnomAD no frequency). This missense change has been observed in individual(s) with autosomal recessive Stargardt disease (PMID: 28559085). In at least one individual the data is consistent with being in trans (on the opposite chromosome) from a pathogenic variant. ClinVar contains an entry for this variant (Variation ID: 866119). Advanced modeling of protein sequence and biophysical properties (such as structural, functional, and spatial information, amino acid conservation, physicochemical variation, residue mobility, and thermodynamic stability) performed at Invitae indicates that this missense variant is expected to disrupt ABCA4 protein function with a positive predictive value of 95%. In summary, the currently available evidence indicates that the variant is pathogenic, but additional data are needed to prove that conclusively. Therefore, this variant has been classified as Likely Pathogenic.

Blueprint Genetics
Classification: Uncertain significance. Last evaluated: 2018-04-25. Review status: criteria provided, single submitter. Criteria: ACMG Guidelines, 2015. Collection method: clinical testing. Allele origin: germline.

Literature cited by the submitters: PubMed 28559085 (cited by Labcorp Genetics (formerly Invitae), Labcorp).

NM_000350.3(ABCA4):c.4676G>A (p.Gly1559Glu)

Genes: ABCA4 (ATP binding cassette subfamily A member 4; minus strand), LOC126805793 (CDK7 strongly-dependent group 2 enhancer GRCh37_chr1:94486302-94487501; plus strand). Cytogenetic location: 1p22.1.
Variant type: single nucleotide variant.
Coding change: c.4676G>A on transcript NM_000350.3 (MANE Select); coding-DNA position 4676, G replaced by A.
Protein change: p.Gly1559Glu; replaces glycine 1559 with glutamic acid.
Molecular consequence: missense variant.
Genome position (GRCh38, 1-based): chr1:94,021,943, C>T on the plus strand (G>A on the coding strand, the complement: ABCA4 is on the minus strand). VCF-style: chr1-94021943-C-T. GRCh37 (hg19) VCF-style: chr1-94487499-C-T.
Other names: c.4454G>A, p.Gly1485Glu (NM_001425324.1); short protein forms G1559E, G1485E.
Identifiers: ClinVar variation 866119 (VCV000866119.5), dbSNP rs1659914654, ClinGen allele CA341284061.